The following is an entry in ClinVar:

NM_182931.3(KMT2E):c.1411C>G (p.Leu471Val)

Gene: KMT2E (lysine methyltransferase 2E (inactive); plus strand). Cytogenetic location: 7q22.3.
Variant type: single nucleotide variant.
Coding change: c.1411C>G on transcript NM_182931.3 (MANE Select); coding-DNA position 1411, C replaced by G.
Protein change: p.Leu471Val; replaces leucine 471 with valine.
Molecular consequence: missense variant.
Genome position (GRCh38, 1-based): chr7:105,090,061, C>G. VCF-style: chr7-105090061-C-G. GRCh37 (hg19) VCF-style: chr7-104730508-C-G.
Other names: c.1411C>G, p.Leu471Val (NM_001410908.1, NM_018682.4); short protein forms L471V.
Identifiers: ClinVar variation 2134718 (VCV002134718.4), dbSNP rs376054779, ClinGen allele CA368782151.

ClinVar aggregate classification (germline): Uncertain significance (1 of 4 stars; one submission).

gnomAD v4.1: 15 of 1,613,528 alleles (0.00093%); highest among the groups gnomAD compares: Non-Finnish European, 0.0013%; no homozygotes.

Submission:

Labcorp Genetics (formerly Invitae), Labcorp
Classification: Uncertain significance. Last evaluated: 2022-08-19. Review status: criteria provided, single submitter. Criteria: Invitae Variant Classification Sherloc (09022015). Collection method: clinical testing. Allele origin: germline.
Comment: This sequence change replaces leucine, which is neutral and non-polar, with valine, which is neutral and non-polar, at codon 471 of the KMT2E protein (p.Leu471Val). This variant is present in population databases (no rsID available, gnomAD 0.0009%). This variant has not been reported in the literature in individuals affected with KMT2E-related conditions. Algorithms developed to predict the effect of missense changes on protein structure and function (SIFT, PolyPhen-2, Align-GVGD) all suggest that this variant is likely to be tolerated. In summary, the available evidence is currently insufficient to determine the role of this variant in disease. Therefore, it has been classified as a Variant of Uncertain Significance.